The following is an entry in ClinVar:

NM_001394062.1(MACF1):c.7129dup (p.Arg2377fs)

Gene: MACF1 (microtubule actin crosslinking factor 1; plus strand). Cytogenetic location: 1p34.3.
Variant type: Duplication.
Coding change: c.7129dup on transcript NM_001394062.1 (MANE Select); coding-DNA position 7129, one base duplicated (C; older notation c.7129dupC).
Protein change: p.Arg2377fs; shifts the reading frame from arginine 2377.
Molecular consequence: frameshift variant. On other transcripts: intron variant (1).
Genome position (GRCh38, 1-based): chr1:39,333,717, C duplicated; the last of 5 consecutive C bases (chr1:39,333,713-39,333,717); duplicating any one gives the same sequence. VCF-style (leftmost placement, unchanged base first): chr1-39333712-A-AC. GRCh37 (hg19) VCF-style: chr1-39799384-A-AC.
Other names: c.4629+6364dup (NM_012090.5); short protein forms R2377fs.
Identifiers: ClinVar variation 2431958 (VCV002431958.1), dbSNP rs766558667, ClinGen allele CA2580062712.
Genomic context (GRCh38, chr1:39,333,712, plus strand): 5'-TGGATGAGAAATTATTACATAATGTCCTCATGGCAGACAAAGCTATAAGTGGTGTCTTAG[A>AC]CCCCCGTACCCAGACACTGTGCTCTGTAAAGGATGCAGTTACAGTTGGACTTCTTGACAA-3'

ClinVar aggregate classification (germline): Likely pathogenic (1 of 4 stars; one submission).

Conditions:
Lissencephaly 9 with complex brainstem malformation. Identifiers: Orphanet 572013, MedGen C5193029, MONDO:0032677, OMIM 618325.

Submission:

Laboratorio de Genetica e Diagnostico Molecular, Hospital Israelita Albert Einstein
Classification: Likely pathogenic for Lissencephaly 9 with complex brainstem malformation. Last evaluated: 2022-08-19. Review status: criteria provided, single submitter. Criteria: ACMG Guidelines, 2015. Collection method: clinical testing. Allele origin: germline. Affected: yes. Observed: 1 variant allele.
Comment: ACMG classification criteria: PVS1 very strong, PM2 moderated